The following is an entry in ClinVar:

ClinVar aggregate classification (germline): Uncertain significance. Review status: criteria provided, multiple submitters, no conflicts (2 of 4 stars). 3 submissions from 3 submitters: Uncertain significance (3). Last evaluated 2025-04-09.

Conditions:
Hereditary cancer-predisposing syndrome. Also called: Hereditary Cancer Syndrome; Hereditary neoplastic syndrome; Neoplastic Syndromes, Hereditary; Tumor predisposition. Identifiers: Orphanet 140162, MedGen C0027672, MeSH D009386, MONDO:0015356.

Allele frequency attached by ClinVar (database versions not stated): gnomAD exomes below 0.00001.

Submissions (3):

Labcorp Genetics (formerly Invitae), Labcorp
Classification: Uncertain significance. Last evaluated: 2025-04-09. Review status: criteria provided, single submitter. Criteria: Invitae Variant Classification Sherloc (09022015). Collection method: clinical testing. Allele origin: germline.
Comment: This sequence change replaces alanine, which is neutral and non-polar, with threonine, which is neutral and polar, at codon 49 of the HOXB13 protein (p.Ala49Thr). This variant is not present in population databases (gnomAD no frequency). This variant has not been reported in the literature in individuals affected with HOXB13-related conditions. ClinVar contains an entry for this variant (Variation ID: 1773125). An algorithm developed to predict the effect of missense changes on protein structure and function outputs the following: PolyPhen-2: "Benign". The threonine amino acid residue is found in multiple mammalian species, which suggests that this missense change does not adversely affect protein function. In summary, the available evidence is currently insufficient to determine the role of this variant in disease. Therefore, it has been classified as a Variant of Uncertain Significance.

Ambry Genetics
Classification: Uncertain significance for Hereditary cancer-predisposing syndrome. Last evaluated: 2024-11-18. Review status: criteria provided, single submitter. Criteria: Ambry Variant Classification Scheme 2023. Collection method: clinical testing. Allele origin: germline.
Comment: The p.A49T variant (also known as c.145G>A), located in coding exon 1 of the HOXB13 gene, results from a G to A substitution at nucleotide position 145. The alanine at codon 49 is replaced by threonine, an amino acid with similar properties. This amino acid position is not well conserved in available vertebrate species. In addition, this alteration is predicted to be tolerated by in silico analysis. Since supporting evidence is limited at this time, the clinical significance of this alteration remains unclear.

GeneDx
Classification: Uncertain significance. Last evaluated: 2024-02-23. Review status: criteria provided, single submitter. Criteria: GeneDx Variant Classification Process June 2021. Collection method: clinical testing. Allele origin: germline. Affected: yes.
Comment: Not observed at significant frequency in large population cohorts (gnomAD); In silico analysis supports that this missense variant does not alter protein structure/function; Has not been previously published as pathogenic or benign to our knowledge

NM_006361.6(HOXB13):c.145G>A (p.Ala49Thr)

Gene: HOXB13 (homeobox B13; minus strand). Cytogenetic location: 17q21.32.
Variant type: single nucleotide variant.
Coding change: c.145G>A on transcript NM_006361.6 (MANE Select); coding-DNA position 145, G replaced by A.
Protein change: p.Ala49Thr; replaces alanine 49 with threonine.
Molecular consequence: missense variant.
Genome position (GRCh38, 1-based): chr17:48,728,449, C>T on the plus strand (G>A on the coding strand, the complement: HOXB13 is on the minus strand). VCF-style: chr17-48728449-C-T. GRCh37 (hg19) VCF-style: chr17-46805811-C-T.
Other names: short protein forms A49T.
Identifiers: ClinVar variation 1773125 (VCV001773125.9), dbSNP rs11551892, ClinGen allele CA400109132.